The following is an entry in ClinVar:

NM_004793.4(LONP1):c.1130A>G (p.Gln377Arg)

Gene: LONP1 (lon peptidase 1, mitochondrial; minus strand). Cytogenetic location: 19p13.3.
Variant type: single nucleotide variant.
Coding change: c.1130A>G on transcript NM_004793.4 (MANE Select); coding-DNA position 1130, A replaced by G.
Protein change: p.Gln377Arg; replaces glutamine 377 with arginine.
Molecular consequence: missense variant. On other transcripts: non-coding transcript variant (1).
Genome position (GRCh38, 1-based): chr19:5,707,076, T>C on the plus strand (A>G on the coding strand, the complement: LONP1 is on the minus strand). VCF-style: chr19-5707076-T-C. GRCh37 (hg19) VCF-style: chr19-5707087-T-C.
Other names: c.938A>G, p.Gln313Arg (NM_001276479.2); c.542A>G, p.Gln181Arg (NM_001276480.1); short protein forms Q181R, Q313R, Q377R.
Identifiers: ClinVar variation 2504459 (VCV002504459.2), dbSNP rs2512411317, ClinGen allele CA403535210.

ClinVar aggregate classification (germline): Uncertain significance (1 of 4 stars; one submission).

gnomAD v4.1: 1 of 1,612,202 alleles (0.000062%); no homozygotes.

Submission:

GeneDx
Classification: Uncertain significance. Last evaluated: 2024-04-22. Review status: criteria provided, single submitter. Criteria: GeneDx Variant Classification Process June 2021. Collection method: clinical testing. Allele origin: germline. Affected: yes.
Comment: Not observed at significant frequency in large population cohorts (gnomAD); In silico analysis supports that this missense variant has a deleterious effect on protein structure/function; Has not been previously published as pathogenic or benign to our knowledge